The following is an entry in ClinVar:

NM_001195263.2(PDZD7):c.925C>G (p.Arg309Gly)

Gene: PDZD7 (PDZ domain containing 7; minus strand). Cytogenetic location: 10q24.31.
Variant type: single nucleotide variant.
Coding change: c.925C>G on transcript NM_001195263.2 (MANE Select); coding-DNA position 925, C replaced by G.
Protein change: p.Arg309Gly; replaces arginine 309 with glycine.
Molecular consequence: missense variant.
Genome position (GRCh38, 1-based): chr10:101,020,621, G>C on the plus strand (C>G on the coding strand, the complement: PDZD7 is on the minus strand). VCF-style: chr10-101020621-G-C. GRCh37 (hg19) VCF-style: chr10-102780378-G-C.
Other names: c.925C>G, p.Arg309Gly (NM_001351044.2, NM_024895.5); short protein forms R309G.
Identifiers: ClinVar variation 3305661 (VCV003305661.2).

ClinVar aggregate classification (germline): Uncertain significance. Review status: criteria provided, multiple submitters, no conflicts (2 of 4 stars). 2 submissions from 2 submitters: Uncertain significance (2). Last evaluated 2025-07-24.

Conditions:
Inborn genetic diseases. Identifiers: MedGen C0950123, MeSH D030342.

gnomAD v4.1: 25 of 1,613,478 alleles (0.0015%); highest among the groups gnomAD compares: Non-Finnish European, 0.002%; no homozygotes.

Submissions (2):

GeneDx
Classification: Uncertain significance. Last evaluated: 2025-07-24. Review status: criteria provided, single submitter. Criteria: GeneDx Variant Classification Process June 2021. Collection method: clinical testing. Allele origin: germline. Affected: yes.
Comment: Not observed at significant frequency in large population cohorts (gnomAD); In silico analysis suggests that this missense variant does not alter protein structure/function; Has not been previously published as pathogenic or benign to our knowledge

Ambry Genetics
Classification: Uncertain significance for Inborn genetic diseases. Last evaluated: 2024-06-17. Review status: criteria provided, single submitter. Criteria: Ambry Variant Classification Scheme 2023. Collection method: clinical testing. Allele origin: germline.